The following is an entry in ClinVar:

ClinVar aggregate classification (germline): Likely pathogenic. Review status: criteria provided, multiple submitters, no conflicts (2 of 4 stars). 2 submissions from 2 submitters: Likely pathogenic (2). Last evaluated 2024-08-29.

Conditions:
Hereditary spherocytosis type 1. Also called: Spherocytosis type 1; ANK1-Related Spherocytosis. Identifiers: Orphanet 822, MedGen C2674218, MONDO:0008447, OMIM 182900.

Submissions (2):

Mayo Clinic Laboratories, Mayo Clinic
Classification: Likely pathogenic. Last evaluated: 2024-08-29. Review status: criteria provided, single submitter. Criteria: ACMG Guidelines, 2015. Collection method: clinical testing. Allele origin: germline. Observed: 2 variant alleles.
Comment: PM2, PVS1

Revvity Omics, Revvity
Classification: Likely pathogenic for Hereditary spherocytosis type 1. Last evaluated: 2022-05-05. Review status: criteria provided, single submitter. Criteria: ACMG Guidelines, 2015. Collection method: clinical testing. Allele origin: germline.

Literature cited by the submitters: PubMed 34131631 (cited by Mayo Clinic Laboratories, Mayo Clinic); PubMed 36544651 (cited by Mayo Clinic Laboratories, Mayo Clinic).

NM_000037.4(ANK1):c.3123del (p.Ser1042fs)

Gene: ANK1 (ankyrin 1; minus strand). Cytogenetic location: 8p11.21.
Variant type: Deletion.
Coding change: c.3123del on transcript NM_000037.4 (MANE Select); coding-DNA position 3123, one base deleted (G; older notation c.3123delG).
Protein change: p.Ser1042fs; shifts the reading frame from serine 1042.
Molecular consequence: frameshift variant.
Genome position (GRCh38, 1-based): chr8:41,694,796, C deleted on the plus strand (G on the coding strand, the reverse complement: ANK1 is on the minus strand); the first of 4 consecutive C bases (chr8:41,694,796-41,694,799); deleting any one gives the same sequence. VCF-style (leftmost placement, unchanged base first): chr8-41694795-TC-T. GRCh37 (hg19) VCF-style: chr8-41552313-TC-T.
Other names: p.Ser1042Alafs*5; c.3246del, p.Ser1083fs (NM_001142446.2); c.3123del, p.Ser1042fs (NM_020475.3, NM_020476.3, NM_020477.3); short protein forms S1042fs, S1083fs.
Identifiers: ClinVar variation 2441506 (VCV002441506.4), dbSNP rs2486773580, ClinGen allele CA2580078293.